The following is an entry in ClinVar:

ClinVar aggregate classification (germline): Uncertain significance (1 of 4 stars; one submission).

Conditions:
Inborn genetic diseases. Identifiers: MedGen C0950123, MeSH D030342.

Submission:

Ambry Genetics
Classification: Uncertain significance for Inborn genetic diseases. Last evaluated: 2025-06-16. Review status: criteria provided, single submitter. Criteria: Ambry Variant Classification Scheme 2023. Collection method: clinical testing. Allele origin: germline.
Comment: The p.G867A variant (also known as c.2600G>C), located in coding exon 21 of the KDM1A gene, results from a G to C substitution at nucleotide position 2600. The glycine at codon 867 is replaced by alanine, an amino acid with similar properties. This amino acid position is conserved. In addition, this alteration is predicted to be tolerated by in silico analysis. Based on the available evidence, the clinical significance of this variant remains unclear.

NM_001009999.3(KDM1A):c.2600G>C (p.Gly867Ala)

Gene: KDM1A (lysine demethylase 1A; plus strand). Cytogenetic location: 1p36.12.
Variant type: single nucleotide variant.
Coding change: c.2600G>C on transcript NM_001009999.3 (MANE Select); coding-DNA position 2600, G replaced by C.
Protein change: p.Gly867Ala; replaces glycine 867 with alanine.
Molecular consequence: missense variant. On other transcripts: 3 prime UTR variant (1).
Genome position (GRCh38, 1-based): chr1:23,083,333, G>C. VCF-style: chr1-23083333-G-C. GRCh37 (hg19) VCF-style: chr1-23409826-G-C.
Other names: c.2546G>C, p.Gly849Ala (NM_001363654.2); c.2606G>C, p.Gly869Ala (NM_001410762.1); c.*848G>C (NM_001410763.1); c.2528G>C, p.Gly843Ala (NM_015013.4); short protein forms G849A, G867A, G843A, G869A.
Identifiers: ClinVar variation 4091023 (VCV004091023.1).
Genomic context (GRCh38, chr1:23,083,333, plus strand): 5'-GAAGAATTGCAGACCAGTTTTTGGGGGCCATGTATACGCTGCCTCGCCAGGCCACACCAG[G>C]TGTTCCTGCACAGCAGTCCCCAAGCATGTGAGACAGATGCATTCTAAGGGAAGAGGCCCA-3'
Protein context (NP_001009999.1, residues 857-876): MYTLPRQATP[Gly867Ala]VPAQQSPSM